The following is an entry in ClinVar:

ClinVar aggregate classification (germline): Pathogenic (1 of 4 stars; one submission).

Submission:

Labcorp Genetics (formerly Invitae), Labcorp
Classification: Pathogenic. Last evaluated: 2024-01-28. Review status: criteria provided, single submitter. Criteria: Invitae Variant Classification Sherloc (09022015). Collection method: clinical testing. Allele origin: germline.
Comment: This sequence change creates a premature translational stop signal (p.Phe201Serfs*9) in the ITGB4 gene. It is expected to result in an absent or disrupted protein product. Loss-of-function variants in ITGB4 are known to be pathogenic (PMID: 11328943, 16473856). This variant is present in population databases (rs756203753, gnomAD 0.006%). This premature translational stop signal has been observed in individual(s) with epidermolysis bullosa (PMID: 16473856). For these reasons, this variant has been classified as Pathogenic.

Literature cited by the submitters: PubMed 11328943; PubMed 16473856.

NM_000213.5(ITGB4):c.600del (p.Phe201fs)

Gene: ITGB4 (integrin subunit beta 4; plus strand). Cytogenetic location: 17q25.1.
Variant type: Deletion.
Coding change: c.600del on transcript NM_000213.5 (MANE Select); coding-DNA position 600, one base deleted (C; older notation c.600delC).
Protein change: p.Phe201fs; shifts the reading frame from phenylalanine 201.
Molecular consequence: frameshift variant.
Genome position (GRCh38, 1-based): chr17:75,729,298, C deleted; the last of 7 consecutive C bases (chr17:75,729,292-75,729,298); deleting any one gives the same sequence. VCF-style (leftmost placement, unchanged base first): chr17-75729291-AC-A. GRCh37 (hg19) VCF-style: chr17-73725372-AC-A.
Other names: c.600delC, p.Phe201Serfs (NM_001005619.2); c.600del, p.Phe201fs (NM_001005731.3, NM_001321123.2); short protein forms F201fs.
Identifiers: ClinVar variation 2736648 (VCV002736648.3), dbSNP rs752657203, ClinGen allele CA8768726.